The following is an entry in ClinVar:

ClinVar aggregate classification (germline): Pathogenic (1 of 4 stars; one submission).

Conditions:
Mucopolysaccharidosis, MPS-III-D (MPS3D). Also called: N-ACETYLGLUCOSAMINE-6-SULFATASE DEFICIENCY; SANFILIPPO SYNDROME D; MPS III D; Mucopoly-saccharidosis type 3D; N-acetylglucosamine-6-sulfate sulfatase deficiency; MPS 3D. Identifiers: Orphanet 581, Orphanet 79272, MedGen C0086650, MONDO:0009658, OMIM 252940.

Submission:

Labcorp Genetics (formerly Invitae), Labcorp
Classification: Pathogenic for Mucopolysaccharidosis, MPS-III-D. Last evaluated: 2024-01-02. Review status: criteria provided, single submitter. Criteria: Invitae Variant Classification Sherloc (09022015). Collection method: clinical testing. Allele origin: unknown.
Comment: A gross deletion of the genomic region encompassing the full coding sequence of the GNS gene has been identified. Loss-of-function variants in GNS are known to be pathogenic (PMID: 20232353). The boundaries of this event are unknown as they extend beyond the assayed region for this gene and therefore may encompass additional genes. This variant has not been reported in the literature in individuals affected with GNS-related conditions. For these reasons, this variant has been classified as Pathogenic.

Literature cited by the submitters: PubMed 20232353.

NC_000012.11:g.(?_64173741)_(68052493_?)del

Genes: CAND1 (cullin associated and neddylation dissociated 1; plus strand), C12orf56 (chromosome 12 open reading frame 56; minus strand), DYRK2 (dual specificity tyrosine phosphorylation regulated kinase 2; plus strand), GNS (glucosamine (N-acetyl)-6-sulfatase; minus strand), GRIP1 (glutamate receptor interacting protein 1; minus strand) and 15 more. Cytogenetic location: 12q14.2-15.
Variant type: Deletion.
Identifiers: ClinVar variation 3244245 (VCV003244245.1).